The following is an entry in ClinVar:

ClinVar aggregate classification (germline): Pathogenic/Likely pathogenic. Review status: criteria provided, multiple submitters, no conflicts (2 of 4 stars). 4 submissions from 4 submitters: Pathogenic (1); Likely pathogenic (3). Last evaluated 2025-07-10.

Conditions:
Sphingomyelin/cholesterol lipidosis. Also called: Niemann-Pick disease. Identifiers: MedGen C0028064, MONDO:0001982.
SMPD1-related disorder. Also called: SMPD1-related condition.
Niemann-Pick disease, type A. Also called: Infantile Neurovisceral ASMD (Niemann-Pick Disease Type A; NPD-A); SPHINGOMYELIN LIPIDOSIS; SPHINGOMYELINASE DEFICIENCY. Identifiers: Orphanet 77292, MedGen C0268242, MONDO:0009756, OMIM 257200. Disease mechanism: loss of function.

Submissions (4):

Women's Health and Genetics/Laboratory Corporation of America, LabCorp
Classification: Pathogenic for Sphingomyelin/cholesterol lipidosis. Last evaluated: 2025-07-10. Review status: criteria provided, single submitter. Criteria: LabCorp Variant Classification Summary - May 2015. Collection method: clinical testing. Allele origin: germline.
Comment: Variant summary: SMPD1 c.740G>A (p.Gly247Asp) results in a non-conservative amino acid change in the encoded protein sequence. Algorithms developed to predict the effect of missense changes on protein structure and function all suggest that this variant is likely to be disruptive. The variant was absent in 248598 control chromosomes. c.740G>A has been observed in individual(s) affected with Niemann-Pick Disease (Cheema_2020, Toth_2012). These data indicate that the variant may be associated with disease. A different variant affecting the same codon has been classified as likely pathogenic/pathogenic by our lab (c.739G>A, p.Gly247Ser), supporting the critical relevance of codon 247 to SMPD1 protein function. At least one publication reports experimental evidence evaluating an impact on protein function (Toth_2012). The most pronounced variant effect results in <10% of normal activity. The following publications have been ascertained in the context of this evaluation (PMID: 32292456, 23430884). ClinVar contains an entry for this variant (Variation ID: 813476). Based on the evidence outlined above, the variant was classified as pathogenic.

PreventionGenetics, part of Exact Sciences
Classification: Likely pathogenic for SMPD1-related condition. Last evaluated: 2025-05-20. Review status: criteria provided, single submitter. Criteria: ACMG Guidelines, 2015. Collection method: clinical testing. Allele origin: germline.
Comment: The SMPD1 c.740G>A variant is predicted to result in the amino acid substitution p.Gly247Asp. This variant was reported in the compound heterozygous state in individuals with Niemann-Pick disease (Toth et al. 2011. PubMed ID: 23430884; Cheema et al. 2020. PubMed ID: 32292456). In vitro functional studies show this variant results in severely decreased catalytic activity of acid sphingomyelinase (Toth et al. 2011. PubMed ID: 23430884). An alternate missense change at the same amino acid position (p.Gly247Ser) has been reported in the homozygous and compound heterozygous states in several individuals with Niemann-Pick disease (see for example, Simonaro et al 2002. PubMed ID: 12369017; Irun et al. 2013. PubMed ID: 23252888). The p.Gly247Asp variant has not been reported in a large population database (gnomAD), indicating this variant is rare. The p.Gly247Asp variant is interpreted as likely pathogenic.

Natera, Inc.
Classification: Likely pathogenic for Niemann-Pick Disease, Types A/B. Last evaluated: 2025-01-15. Review status: criteria provided, single submitter. Criteria: Natera Variant Classification Schema (03/2026). Collection method: clinical testing. Allele origin: germline.
Comment: The c.740G>A variant in SMPD1 is a missense variant predicted to cause substitution of glycine to aspartic acid at amino acid 247. This variant is rare in the general population with a frequency below the threshold expected for the associated phenotype(s). This variant has been observed in one or more individuals affected with the associated recessive disease, as either homozygous or compound heterozygous with a second variant (PMID: 37347058). Functional studies show that this variant may disrupt protein function (PMID: 23430884). A different variant at the same position has been determined to be Pathogenic or Likely Pathogenic. Computational prediction algorithms indicate this variant is likely to affect gene or protein function. Given the available evidence, this variant is classified as Likely Pathogenic.

Baylor Genetics
Classification: Likely pathogenic for Niemann-Pick disease, type A. Review status: criteria provided, single submitter. Criteria: ACMG Guidelines, 2015. Collection method: clinical testing. Allele origin: germline.

Literature cited by the submitters: PubMed 23430884 (cited by Women's Health and Genetics/Laboratory Corporation of America, LabCorp and Natera, Inc.); PubMed 32292456 (cited by Women's Health and Genetics/Laboratory Corporation of America, LabCorp); PubMed 37347058 (cited by Natera, Inc.).

NM_000543.5(SMPD1):c.740G>A (p.Gly247Asp)

Gene: SMPD1 (sphingomyelin phosphodiesterase 1; plus strand). Cytogenetic location: 11p15.4.
Variant type: single nucleotide variant.
Coding change: c.740G>A on transcript NM_000543.5 (MANE Select); coding-DNA position 740, G replaced by A.
Protein change: p.Gly247Asp; replaces glycine 247 with aspartic acid.
Molecular consequence: missense variant. On other transcripts: 5 prime UTR variant (1), non-coding transcript variant (1).
Genome position (GRCh38, 1-based): chr11:6,391,805, G>A. VCF-style: chr11-6391805-G-A. GRCh37 (hg19) VCF-style: chr11-6413035-G-A.
Other names: c.740G>A (NM_000543.4); c.737G>A, p.Gly246Asp (NM_001007593.3); c.740G>A, p.Gly247Asp (NM_001318087.2, NM_001365135.2); c.-222G>A (NM_001318088.2); short protein forms G246D, G247D.
Identifiers: ClinVar variation 813476 (VCV000813476.4), dbSNP rs1590739350, ClinGen allele CA379370910.